The following is an entry in ClinVar:

ClinVar aggregate classification (germline): Conflicting classifications of pathogenicity. Review status: criteria provided, conflicting classifications (1 of 4 stars). 2 submissions from 2 submitters: Likely pathogenic (1); Uncertain significance (1). Last evaluated 2025-09-25.

Submissions (2):

Women's Health and Genetics/Laboratory Corporation of America, LabCorp
Classification: Uncertain significance. Last evaluated: 2025-09-25. Review status: criteria provided, single submitter. Criteria: LabCorp Variant Classification Summary - May 2015. Collection method: clinical testing. Allele origin: germline.
Comment: Variant summary: USH2A c.1822T>C (p.Cys608Arg) results in a non-conservative amino acid change in the encoded protein sequence. Algorithms developed to predict the effect of missense changes on protein structure and function all suggest that this variant is likely to be disruptive. The variant was absent in 251352 control chromosomes. The available data on variant occurrences in the general population are insufficient to allow any conclusion about variant significance. c.1822T>C has been observed in the presumed compound heterozygous state in at least 1 individual(s) affected with retinitis pigmentosa, without strong evidence for causality (Stone_2017). These report(s) do not provide unequivocal conclusions about association of the variant with USH2A-related conditions. To our knowledge, no experimental evidence demonstrating an impact on protein function has been reported. ClinVar contains an entry for this variant (Variation ID: 2910133). Based on the evidence outlined above, the variant was classified as uncertain significance.

Labcorp Genetics (formerly Invitae), Labcorp
Classification: Likely pathogenic. Last evaluated: 2023-11-17. Review status: criteria provided, single submitter. Criteria: Invitae Variant Classification Sherloc (09022015). Collection method: clinical testing. Allele origin: germline.
Comment: This sequence change replaces cysteine, which is neutral and slightly polar, with arginine, which is basic and polar, at codon 608 of the USH2A protein (p.Cys608Arg). This variant is not present in population databases (gnomAD no frequency). This missense change has been observed in individual(s) with retinitis pigmentosa (PMID: 28559085). Advanced modeling of protein sequence and biophysical properties (such as structural, functional, and spatial information, amino acid conservation, physicochemical variation, residue mobility, and thermodynamic stability) performed at Invitae indicates that this missense variant is expected to disrupt USH2A protein function with a positive predictive value of 95%. This variant disrupts the p.Cys608 amino acid residue in USH2A. Other variant(s) that disrupt this residue have been determined to be pathogenic (PMID: 31674169, 36785559). This suggests that this residue is clinically significant, and that variants that disrupt this residue are likely to be disease-causing. In summary, the currently available evidence indicates that the variant is pathogenic, but additional data are needed to prove that conclusively. Therefore, this variant has been classified as Likely Pathogenic.

Literature cited by the submitters: PubMed 28559085 (cited by Women's Health and Genetics/Laboratory Corporation of America, LabCorp and Labcorp Genetics (formerly Invitae), Labcorp); PubMed 31674169 (cited by Labcorp Genetics (formerly Invitae), Labcorp); PubMed 36785559 (cited by Labcorp Genetics (formerly Invitae), Labcorp).

NM_206933.4(USH2A):c.1822T>C (p.Cys608Arg)

Gene: USH2A (usherin; minus strand). Cytogenetic location: 1q41.
Variant type: single nucleotide variant.
Coding change: c.1822T>C on transcript NM_206933.4 (MANE Select); coding-DNA position 1822, T replaced by C.
Protein change: p.Cys608Arg; replaces cysteine 608 with arginine.
Molecular consequence: missense variant.
Genome position (GRCh38, 1-based): chr1:216,292,193, A>G on the plus strand (T>C on the coding strand, the complement: USH2A is on the minus strand). VCF-style: chr1-216292193-A-G. GRCh37 (hg19) VCF-style: chr1-216465535-A-G.
Other names: c.1822T>C, p.Cys608Arg (NM_007123.6); short protein forms C608R.
Identifiers: ClinVar variation 2910133 (VCV002910133.4), dbSNP rs2528256277, ClinGen allele CA344903025.